The following is an entry in ClinVar:

NM_006121.4(KRT1):c.1669A>G (p.Ser557Gly)

Gene: KRT1 (keratin 1; minus strand). Cytogenetic location: 12q13.13.
Variant type: single nucleotide variant.
Coding change: c.1669A>G on transcript NM_006121.4 (MANE Select); coding-DNA position 1669, A replaced by G.
Protein change: p.Ser557Gly; replaces serine 557 with glycine.
Molecular consequence: missense variant.
Genome position (GRCh38, 1-based): chr12:52,675,459, T>C on the plus strand (A>G on the coding strand, the complement: KRT1 is on the minus strand). VCF-style: chr12-52675459-T-C. GRCh37 (hg19) VCF-style: chr12-53069243-T-C.
Other names: short protein forms S557G.
Identifiers: ClinVar variation 309639 (VCV000309639.13), dbSNP rs77846840, ClinGen allele CA6586075.

ClinVar aggregate classification (germline): Benign. Review status: criteria provided, multiple submitters, no conflicts (2 of 4 stars). 4 submissions from 3 submitters: Benign (3). 1 of the submissions does not count toward it. Last evaluated 2021-07-17.

Conditions:
Diffuse nonepidermolytic palmoplantar keratoderma (NEPPK). Also called: Nonepidermolytic palmoplantar hyperkeratosis; Nonepidermolytic palmoplantar keratoderma. Identifiers: Orphanet 530838, MedGen C1833030, MONDO:0010962, OMIM 600962, HP:0007404.
KRT1-related disorder. Also called: KRT1-related condition.
Epidermolytic ichthyosis. Also called: Congenital bullous ichthyosiform erythroderma; Bullous ichthyosiform erythroderma; Epidermolytic Hyperkeratosis; KRT10-Related Epidermolytic Hyperkeratosis. Identifiers: Orphanet 312, MedGen C0079153, MONDO:0007239, HP:0007475.

Allele frequency attached by ClinVar (database versions not stated): gnomAD exomes 0.00032; gnomAD 0.00119 and 0.00126; ExAC 0.00136.

Submissions (4):

Labcorp Genetics (formerly Invitae), Labcorp
Classification: Benign. Last evaluated: 2021-07-17. Review status: criteria provided, single submitter. Criteria: Invitae Variant Classification Sherloc (09022015). Collection method: clinical testing. Allele origin: germline.

Illumina Laboratory Services, Illumina
Classification: Benign for Diffuse nonepidermolytic palmoplantar keratoderma. Last evaluated: 2018-01-13. Review status: criteria provided, single submitter. Criteria: ICSL Variant Classification Criteria 13 December 2019. Collection method: clinical testing. Allele origin: germline.
Comment: This variant was observed in the ICSL laboratory as part of a predisposition screen in an ostensibly healthy population. It had not been previously curated by ICSL or reported in the Human Gene Mutation Database (HGMD: prior to June 1st, 2018), and was therefore a candidate for classification through an automated scoring system. Utilizing variant allele frequency, disease prevalence and penetrance estimates, and inheritance mode, an automated score was calculated to assess if this variant is too frequent to cause the disease. Based on the score and internal cut-off values, a variant classified as benign is not then subjected to further curation. The score for this variant resulted in a classification of benign for this disease.

Illumina Laboratory Services, Illumina
Classification: Benign for Epidermolytic hyperkeratosis 1. Last evaluated: 2018-01-13. Review status: criteria provided, single submitter. Criteria: ICSL Variant Classification Criteria 13 December 2019. Collection method: clinical testing. Allele origin: germline.
Comment: the same text as in the submission from Illumina Laboratory Services, Illumina above.

PreventionGenetics, part of Exact Sciences
Classification: Likely benign for KRT1-related condition. Last evaluated: 2024-07-25. Review status: no assertion criteria provided. Collection method: clinical testing. Allele origin: germline. Not counted in ClinVar's aggregate classification.
Comment: This variant is classified as likely benign based on ACMG/AMP sequence variant interpretation guidelines (Richards et al. 2015 PMID: 25741868, with internal and published modifications).